The following is an entry in ClinVar:

ClinVar aggregate classification (germline): Uncertain significance (1 of 4 stars; one submission).

Conditions:
Inborn genetic diseases. Identifiers: MedGen C0950123, MeSH D030342.

gnomAD v4.1: 18 of 1,614,138 alleles (0.0011%); highest among the groups gnomAD compares: Non-Finnish European, 0.0015%; no homozygotes.

Submission:

Ambry Genetics
Classification: Uncertain significance for Inborn genetic diseases. Last evaluated: 2025-05-25. Review status: criteria provided, single submitter. Criteria: Ambry Variant Classification Scheme 2023. Collection method: clinical testing. Allele origin: germline.
Comment: The p.N76S variant (also known as c.227A>G), located in coding exon 3 of the FANCG gene, results from an A to G substitution at nucleotide position 227. The asparagine at codon 76 is replaced by serine, an amino acid with highly similar properties. This amino acid position is conserved. In addition, the in silico prediction for this alteration is inconclusive. Based on the available evidence, the clinical significance of this variant remains unclear.

NM_004629.2(FANCG):c.227A>G (p.Asn76Ser)

Gene: FANCG (FA complementation group G; minus strand). Cytogenetic location: 9p13.3.
Variant type: single nucleotide variant.
Coding change: c.227A>G on transcript NM_004629.2 (MANE Select); coding-DNA position 227, A replaced by G.
Protein change: p.Asn76Ser; replaces asparagine 76 with serine.
Molecular consequence: missense variant.
Genome position (GRCh38, 1-based): chr9:35,078,685, T>C on the plus strand (A>G on the coding strand, the complement: FANCG is on the minus strand). VCF-style: chr9-35078685-T-C. GRCh37 (hg19) VCF-style: chr9-35078682-T-C.
Other names: short protein forms N76S.
Identifiers: ClinVar variation 4022537 (VCV004022537.1).